The following is an entry in ClinVar:

NM_182961.4(SYNE1):c.4757C>A (p.Thr1586Lys)

Gene: SYNE1 (spectrin repeat containing nuclear envelope protein 1; minus strand). Cytogenetic location: 6q25.2.
Variant type: single nucleotide variant.
Coding change: c.4757C>A on transcript NM_182961.4 (MANE Select); coding-DNA position 4757, C replaced by A.
Protein change: p.Thr1586Lys; replaces threonine 1586 with lysine.
Molecular consequence: missense variant.
Genome position (GRCh38, 1-based): chr6:152,430,143, G>T on the plus strand (C>A on the coding strand, the complement: SYNE1 is on the minus strand). VCF-style: chr6-152430143-G-T. GRCh37 (hg19) VCF-style: chr6-152751278-G-T.
Other names: p.Thr1593Lys; c.4778C>A, p.Thr1593Lys (NM_033071.5); short protein forms T1586K, T1593K.
Identifiers: ClinVar variation 130445 (VCV000130445.50), dbSNP rs77675624, ClinGen allele CA155477.

ClinVar aggregate classification (germline): Benign/Likely benign. Review status: criteria provided, multiple submitters, no conflicts (2 of 4 stars). 10 submissions from 9 submitters: Benign (8); Likely benign (1). 1 of the submissions does not count toward it. Last evaluated 2026-02-03.

Conditions:
Emery-Dreifuss muscular dystrophy 4, autosomal dominant (EDMD4). Also called: EMERY-DREIFUSS MUSCULAR DYSTROPHY 4 WITH VARIABLE FEATURES. Identifiers: Orphanet 261, MedGen C2751807, MONDO:0013071, OMIM 612998.
Arthrogryposis multiplex congenita 3, myogenic type. Also called: ARTHROGRYPOSIS MULTIPLEX CONGENITA, MYOGENIC TYPE. Identifiers: MedGen C5193121, MONDO:0032778, OMIM 618484.
Autosomal recessive ataxia, Beauce type. Also called: SYNE1 Deficiency; Spinocerebellar ataxia, autosomal recessive 8; ATAXIA, RECESSIVE, OF BEAUCE; SYNE1-Related Autosomal Recessive Cerebellar Ataxia. Identifiers: Orphanet 88644, MedGen C1853116, MONDO:0012549, OMIM 610743.

Allele frequency attached by ClinVar (database versions not stated): ESP Exome Variant Server 0.00116; gnomAD 0.00591; TOPMed 0.00689; 1000 Genomes Project 30x 0.01062; 1000 Genomes Project 0.01078; gnomAD exomes 0.01080; ExAC 0.01261.
gnomAD v4.1: 7,106 of 1,602,944 alleles (0.44%); highest among the groups gnomAD compares: East Asian, 6.1%; 168 homozygotes.

Submissions (10):

Labcorp Genetics (formerly Invitae), Labcorp
Classification: Benign for Emery-Dreifuss muscular dystrophy 4, autosomal dominant; Autosomal recessive ataxia, Beauce type. Last evaluated: 2026-02-03. Review status: criteria provided, single submitter. Criteria: Invitae Variant Classification Sherloc (09022015). Collection method: clinical testing. Allele origin: germline.

CeGaT Center for Human Genetics Tuebingen
Classification: Benign. Last evaluated: 2024-07-01. Review status: criteria provided, single submitter. Criteria: CeGaT Center For Human Genetics Tuebingen Variant Classification Criteria Version 2. Collection method: clinical testing. Allele origin: germline. Affected: yes. Observed: 2 variant alleles.
Comment: SYNE1: BP4, BS1, BS2

Athena Diagnostics
Classification: Benign. Last evaluated: 2023-11-08. Review status: criteria provided, single submitter. Criteria: Athena Diagnostics Criteria. Collection method: clinical testing. Allele origin: unknown.

Mayo Clinic Laboratories, Mayo Clinic
Classification: Benign. Last evaluated: 2022-06-14. Review status: criteria provided, single submitter. Criteria: ACMG Guidelines, 2015. Collection method: clinical testing. Allele origin: germline. Observed: 9 variant alleles.
Comment: BS1, BS2, BP4

Fulgent Genetics
Classification: Likely benign for Autosomal recessive ataxia, Beauce type; Emery-Dreifuss muscular dystrophy 4, autosomal dominant; Arthrogryposis multiplex congenita 3, myogenic type. Last evaluated: 2022-04-25. Review status: criteria provided, single submitter. Criteria: ACMG Guidelines, 2015. Collection method: clinical testing. Allele origin: unknown.

Illumina Laboratory Services, Illumina
Classification: Benign for Emery-Dreifuss muscular dystrophy 4, autosomal dominant. Last evaluated: 2018-01-12. Review status: criteria provided, single submitter. Criteria: ICSL Variant Classification Criteria 13 December 2019. Collection method: clinical testing. Allele origin: germline.
Comment: This variant was observed in the ICSL laboratory as part of a predisposition screen in an ostensibly healthy population. It had not been previously curated by ICSL or reported in the Human Gene Mutation Database (HGMD: prior to June 1st, 2018), and was therefore a candidate for classification through an automated scoring system. Utilizing variant allele frequency, disease prevalence and penetrance estimates, and inheritance mode, an automated score was calculated to assess if this variant is too frequent to cause the disease. Based on the score and internal cut-off values, a variant classified as benign is not then subjected to further curation. The score for this variant resulted in a classification of benign for this disease.

Illumina Laboratory Services, Illumina
Classification: Benign for Autosomal recessive ataxia, Beauce type. Last evaluated: 2018-01-12. Review status: criteria provided, single submitter. Criteria: ICSL Variant Classification Criteria 13 December 2019. Collection method: clinical testing. Allele origin: germline.
Comment: the same text as in the submission from Illumina Laboratory Services, Illumina above.

GeneDx
Classification: Benign. Last evaluated: 2016-05-24. Review status: criteria provided, single submitter. Criteria: GeneDx Variant Classification (06012015). Collection method: clinical testing. Allele origin: germline. Affected: yes.
Comment: This variant is considered likely benign or benign based on one or more of the following criteria: it is a conservative change, it occurs at a poorly conserved position in the protein, it is predicted to be benign by multiple in silico algorithms, and/or has population frequency not consistent with disease.

Eurofins Ntd Llc (ga)
Classification: Benign. Last evaluated: 2015-02-14. Review status: criteria provided, single submitter. Criteria: EGL Classification Definitions 2015. Collection method: clinical testing. Allele origin: germline. Observed: 2 variant alleles, 2 heterozygotes.

Genetic Services Laboratory, University of Chicago
Classification: Likely benign for AllHighlyPenetrant. Review status: no assertion criteria provided. Collection method: clinical testing. Allele origin: germline. Inheritance: Autosomal dominant inheritance. Not counted in ClinVar's aggregate classification.
Comment: Likely benign based on allele frequency in 1000 Genomes Project or ESP global frequency and its presence in a patient with a rare or unrelated disease phenotype. NOT Sanger confirmed.